The following is an entry in ClinVar:

NM_024675.4(PALB2):c.2815T>G (p.Leu939Val)

Gene: PALB2 (partner and localizer of BRCA2; minus strand). Cytogenetic location: 16p12.2.
Variant type: single nucleotide variant.
Coding change: c.2815T>G on transcript NM_024675.4 (MANE Select); coding-DNA position 2815, T replaced by G.
Protein change: p.Leu939Val; replaces leucine 939 with valine.
Molecular consequence: missense variant.
Genome position (GRCh38, 1-based): chr16:23,624,028, A>C on the plus strand (T>G on the coding strand, the complement: PALB2 is on the minus strand). VCF-style: chr16-23624028-A-C. GRCh37 (hg19) VCF-style: chr16-23635349-A-C.
Other names: short protein forms L939V.
Identifiers: ClinVar variation 230745 (VCV000230745.15), dbSNP rs876658742, ClinGen allele CA10579949.

ClinVar aggregate classification (germline): Uncertain significance. Review status: criteria provided, multiple submitters, no conflicts (2 of 4 stars). 4 submissions from 4 submitters: Uncertain significance (4). Last evaluated 2025-12-23.

Conditions:
Hereditary cancer-predisposing syndrome. Also called: Neoplastic Syndromes, Hereditary; Tumor predisposition; Hereditary Cancer Syndrome; Hereditary neoplastic syndrome. Identifiers: Orphanet 140162, MedGen C0027672, MeSH D009386, MONDO:0015356.
Familial cancer of breast. Also called: BREAST CANCER, FAMILIAL; hereditary breast carcinoma; Hereditary breast cancer. Identifiers: Orphanet 227535, MedGen C0346153, MONDO:0016419, OMIM 114480. Disease mechanism: loss of function.

Submissions (4):

Labcorp Genetics (formerly Invitae), Labcorp
Classification: Uncertain significance for Familial cancer of breast. Last evaluated: 2025-12-23. Review status: criteria provided, single submitter. Criteria: Invitae Variant Classification Sherloc (09022015). Collection method: clinical testing. Allele origin: germline.
Comment: This sequence change replaces leucine, which is neutral and non-polar, with valine, which is neutral and non-polar, at codon 939 of the PALB2 protein (p.Leu939Val). This variant is not present in population databases (gnomAD no frequency). This missense change has been observed in individual(s) with endometrial cancer (PMID: 27443514). ClinVar contains an entry for this variant (Variation ID: 230745). Invitae Evidence Modeling of protein sequence and biophysical properties (such as structural, functional, and spatial information, amino acid conservation, physicochemical variation, residue mobility, and thermodynamic stability) indicates that this missense variant is expected to disrupt PALB2 protein function with a positive predictive value of 80%. In summary, the available evidence is currently insufficient to determine the role of this variant in disease. Therefore, it has been classified as a Variant of Uncertain Significance.

Women's Health and Genetics/Laboratory Corporation of America, LabCorp
Classification: Uncertain significance. Last evaluated: 2025-09-04. Review status: criteria provided, single submitter. Criteria: LabCorp Variant Classification Summary - May 2015. Collection method: clinical testing. Allele origin: germline.
Comment: Variant summary: PALB2 c.2815T>G (p.Leu939Val) results in a conservative amino acid change in the encoded protein sequence. Algorithms developed to predict the effect of missense changes on protein structure and function are either unavailable or do not agree on the potential impact of this missense change. The variant was absent in 250918 control chromosomes. The available data on variant occurrences in the general population are insufficient to allow any conclusion about variant significance. c.2815T>G has been observed in individual(s) affected with Hereditary Breast And Ovarian Cancer Syndrome, without strong evidence for causality (Ring_2017). These report(s) do not provide unequivocal conclusions about association of the variant with Hereditary Breast And Ovarian Cancer Syndrome. To our knowledge, no experimental evidence demonstrating an impact on protein function has been reported. The following publication has been ascertained in the context of this evaluation (PMID: 27443514). ClinVar contains an entry for this variant (Variation ID: 230745). Based on the evidence outlined above, the variant was classified as uncertain significance.

Quest Diagnostics Nichols Institute San Juan Capistrano
Classification: Uncertain significance. Last evaluated: 2025-07-01. Review status: criteria provided, single submitter. Criteria: Quest Diagnostics criteria. Collection method: clinical testing. Allele origin: unknown.
Comment: The PALB2 c.2815T>G (p.Leu939Val) variant has been reported in the published literature in an individual with endometrial cancer (PMID: 27443514 (2016)). This variant has not been reported in large, multi-ethnic general populations (Genome Aggregation Database). Analysis of this variant using bioinformatics tools for the prediction of the effect of amino acid changes on protein structure and function yielded conflicting predictions that this variant is benign or damaging. Based on the available information, we are unable to determine the clinical significance of this variant.

Ambry Genetics
Classification: Uncertain significance for Hereditary cancer-predisposing syndrome. Last evaluated: 2024-06-29. Review status: criteria provided, single submitter. Criteria: Ambry Variant Classification Scheme 2023. Collection method: clinical testing. Allele origin: germline.
Comment: The p.L939V variant (also known as c.2815T>G), located in coding exon 8 of the PALB2 gene, results from a T to G substitution at nucleotide position 2815. The leucine at codon 939 is replaced by valine, an amino acid with highly similar properties. This alteration has been previously detected in a cohort of 381 unselected endometrial cancer patients who underwent multi-gene panel testing (Ring KL et al. Mod Pathol, 2016 11;29:1381-1389). This amino acid position is highly conserved in available vertebrate species. In addition, this alteration is predicted to be tolerated by in silico analysis. Since supporting evidence is limited at this time, the clinical significance of this alteration remains unclear.

Literature cited by the submitters: PubMed 27443514 (cited by 4 submitters).